The following is an entry in ClinVar:

ClinVar aggregate classification (germline): Uncertain significance (1 of 4 stars; one submission).

Conditions:
Melanoma, cutaneous malignant, susceptibility to, 5. Also called: Cutaneous malignant melanoma 5. Identifiers: Orphanet 618, MedGen C2751295, MONDO:0013133, OMIM 613099.

Allele frequency attached by ClinVar (database versions not stated): TOPMed 0.00002; gnomAD exomes 0.00003 and 0.00004; ExAC 0.00004; ESP Exome Variant Server 0.00008; 1000 Genomes Project 0.00020; 1000 Genomes Project 30x 0.00031.
gnomAD v4.1: 62 of 1,613,286 alleles (0.0038%); highest among the groups gnomAD compares: Non-Finnish European, 0.005%; no homozygotes.

Submission:

Labcorp Genetics (formerly Invitae), Labcorp
Classification: Uncertain significance for Melanoma, cutaneous malignant, susceptibility to, 5. Last evaluated: 2024-08-03. Review status: criteria provided, single submitter. Criteria: Invitae Variant Classification Sherloc (09022015). Collection method: clinical testing. Allele origin: germline.
Comment: This sequence change replaces arginine, which is basic and polar, with tryptophan, which is neutral and slightly polar, at codon 67 of the MC1R protein (p.Arg67Trp). This variant is present in population databases (rs372590533, gnomAD 0.005%). This missense change has been observed in individual(s) with multiple primary melanomas (PMID: 18983535). ClinVar contains an entry for this variant (Variation ID: 1388208). Advanced modeling of protein sequence and biophysical properties (such as structural, functional, and spatial information, amino acid conservation, physicochemical variation, residue mobility, and thermodynamic stability) performed at Invitae indicates that this missense variant is expected to disrupt MC1R protein function with a positive predictive value of 80%. In summary, the available evidence is currently insufficient to determine the role of this variant in disease. Therefore, it has been classified as a Variant of Uncertain Significance.

Literature cited by the submitters: PubMed 18983535.

NM_002386.4(MC1R):c.199C>T (p.Arg67Trp)

Gene: MC1R (melanocortin 1 receptor; plus strand). Cytogenetic location: 16q24.3.
Variant type: single nucleotide variant.
Coding change: c.199C>T on transcript NM_002386.4 (MANE Select); coding-DNA position 199, C replaced by T.
Protein change: p.Arg67Trp; replaces arginine 67 with tryptophan.
Molecular consequence: missense variant.
Genome position (GRCh38, 1-based): chr16:89,919,457, C>T. VCF-style: chr16-89919457-C-T. GRCh37 (hg19) VCF-style: chr16-89985865-C-T.
Other names: short protein forms R67W.
Identifiers: ClinVar variation 1388208 (VCV001388208.8), dbSNP rs372590533, ClinGen allele CA8255519.